The following is an entry in ClinVar:

NM_024408.4(NOTCH2):c.5218C>T (p.Leu1740Phe)

Gene: NOTCH2 (notch receptor 2; minus strand). Cytogenetic location: 1p12.
Variant type: single nucleotide variant.
Coding change: c.5218C>T on transcript NM_024408.4 (MANE Select); coding-DNA position 5218, C replaced by T.
Protein change: p.Leu1740Phe; replaces leucine 1740 with phenylalanine.
Molecular consequence: missense variant.
Genome position (GRCh38, 1-based): chr1:119,921,805, G>A on the plus strand (C>T on the coding strand, the complement: NOTCH2 is on the minus strand). VCF-style: chr1-119921805-G-A. GRCh37 (hg19) VCF-style: chr1-120464428-G-A.
Other names: short protein forms L1740F.
Identifiers: ClinVar variation 2856921 (VCV002856921.3), dbSNP rs747138507, ClinGen allele CA341886546.

ClinVar aggregate classification (germline): Uncertain significance (1 of 4 stars; one submission).

Conditions:
Hajdu-Cheney syndrome (HJCYS). Also called: SERPENTINE FIBULA-POLYCYSTIC KIDNEY SYNDROME; ACROOSTEOLYSIS WITH OSTEOPOROSIS AND CHANGES IN SKULL AND MANDIBLE; Acroosteolysis dominant type. Identifiers: Orphanet 955, MedGen C0917715, MONDO:0007057, OMIM 102500.

Submission:

Labcorp Genetics (formerly Invitae), Labcorp
Classification: Uncertain significance for Hajdu-Cheney syndrome. Last evaluated: 2023-09-11. Review status: criteria provided, single submitter. Criteria: Invitae Variant Classification Sherloc (09022015). Collection method: clinical testing. Allele origin: germline.
Comment: This variant is not present in population databases (gnomAD no frequency). In summary, the available evidence is currently insufficient to determine the role of this variant in disease. Therefore, it has been classified as a Variant of Uncertain Significance. Advanced modeling of protein sequence and biophysical properties (such as structural, functional, and spatial information, amino acid conservation, physicochemical variation, residue mobility, and thermodynamic stability) performed at Invitae indicates that this missense variant is not expected to disrupt NOTCH2 protein function. This variant has not been reported in the literature in individuals affected with NOTCH2-related conditions. This sequence change replaces leucine, which is neutral and non-polar, with phenylalanine, which is neutral and non-polar, at codon 1740 of the NOTCH2 protein (p.Leu1740Phe).